The following is an entry in ClinVar:

NM_014339.7(IL17RA):c.1414G>T (p.Gly472Ter)

Gene: IL17RA (interleukin 17 receptor A; plus strand). Cytogenetic location: 22q11.1.
Variant type: single nucleotide variant.
Coding change: c.1414G>T on transcript NM_014339.7 (MANE Select); coding-DNA position 1414, G replaced by T.
Protein change: p.Gly472Ter; replaces glycine 472 with a stop codon.
Molecular consequence: nonsense.
Genome position (GRCh38, 1-based): chr22:17,108,633, G>T. VCF-style: chr22-17108633-G-T. GRCh37 (hg19) VCF-style: chr22-17589523-G-T.
Other names: c.1312G>T, p.Gly438Ter (NM_001289905.2); short protein forms G472*, G438*.
Identifiers: ClinVar variation 4720981 (VCV004720981.1).

ClinVar aggregate classification (germline): Uncertain significance (1 of 4 stars; one submission).

Conditions:
Immunodeficiency 51 (IMD51). Also called: CANDIDIASIS, FAMILIAL, 5. Identifiers: Orphanet 1334, MedGen C4310803, MONDO:0013500, OMIM 613953.

Submission:

Labcorp Genetics (formerly Invitae), Labcorp
Classification: Uncertain significance for Immunodeficiency 51. Last evaluated: 2025-06-17. Review status: criteria provided, single submitter. Criteria: Invitae Variant Classification Sherloc (09022015). Collection method: clinical testing. Allele origin: germline.
Comment: This sequence change creates a premature translational stop signal (p.Gly472*) in the IL17RA gene. While this is not anticipated to result in nonsense mediated decay, it is expected to disrupt the last 395 amino acid(s) of the IL17RA protein. This variant is not present in population databases (gnomAD no frequency). This variant has not been reported in the literature in individuals affected with IL17RA-related conditions. Experimental studies and prediction algorithms are not available or were not evaluated, and the functional significance of this variant is currently unknown. In summary, the available evidence is currently insufficient to determine the role of this variant in disease. Therefore, it has been classified as a Variant of Uncertain Significance.